The following is an entry in ClinVar:

ClinVar aggregate classification (germline): Uncertain significance. Review status: criteria provided, multiple submitters, no conflicts (2 of 4 stars). 2 submissions from 2 submitters: Uncertain significance (2). Last evaluated 2023-09-13.

Conditions:
Bardet-Biedl syndrome (BBS). Identifiers: Orphanet 110, MedGen C0752166, MONDO:0015229.
Inborn genetic diseases. Identifiers: MedGen C0950123, MeSH D030342.

Allele frequency attached by ClinVar (database versions not stated): TOPMed 0.00001.

Submissions (2):

Ambry Genetics
Classification: Uncertain significance for Inborn genetic diseases. Last evaluated: 2023-09-13. Review status: criteria provided, single submitter. Criteria: Ambry Variant Classification Scheme 2023. Collection method: clinical testing. Allele origin: germline.

Labcorp Genetics (formerly Invitae), Labcorp
Classification: Uncertain significance for Bardet-Biedl syndrome. Last evaluated: 2021-11-30. Review status: criteria provided, single submitter. Criteria: Invitae Variant Classification Sherloc (09022015). Collection method: clinical testing. Allele origin: germline.
Comment: This variant has not been reported in the literature in individuals affected with TTC8-related conditions. Algorithms developed to predict the effect of missense changes on protein structure and function output the following: SIFT: "Tolerated"; PolyPhen-2: "Benign"; Align-GVGD: "Class C0". The isoleucine amino acid residue is found in multiple mammalian species, which suggests that this missense change does not adversely affect protein function. In summary, the available evidence is currently insufficient to determine the role of this variant in disease. Therefore, it has been classified as a Variant of Uncertain Significance. This variant is present in population databases (no rsID available, gnomAD 0.006%). This sequence change replaces valine, which is neutral and non-polar, with isoleucine, which is neutral and non-polar, at codon 196 of the TTC8 protein (p.Val196Ile).

NM_144596.4(TTC8):c.616G>A (p.Val206Ile)

Gene: TTC8 (tetratricopeptide repeat domain 8; plus strand). Cytogenetic location: 14q31.3.
Variant type: single nucleotide variant.
Coding change: c.616G>A on transcript NM_144596.4 (MANE Select); coding-DNA position 616, G replaced by A.
Protein change: p.Val206Ile; replaces valine 206 with isoleucine.
Molecular consequence: missense variant. On other transcripts: 5 prime UTR variant (1), non-coding transcript variant (1), intron variant (1).
Genome position (GRCh38, 1-based): chr14:88,843,842, G>A. VCF-style: chr14-88843842-G-A. GRCh37 (hg19) VCF-style: chr14-89310186-G-A.
Other names: c.586G>A (NM_198309.2); c.586G>A, p.Val196Ile (NM_001288781.1, NM_001366535.2, NM_198309.3); c.-162G>A (NM_001288783.1); c.496G>A, p.Val166Ile (NM_001366536.2, NM_198310.3); c.30+2285G>A (NM_001288782.1); short protein forms V206I, V196I, V166I.
Identifiers: ClinVar variation 2019032 (VCV002019032.6), dbSNP rs1308227480, ClinGen allele CA390542703.